The following is an entry in ClinVar:

ClinVar aggregate classification (germline): Uncertain significance. Review status: criteria provided, multiple submitters, no conflicts (2 of 4 stars). 2 submissions from 2 submitters: Uncertain significance (2). Last evaluated 2024-01-05.

Conditions:
Hereditary cancer-predisposing syndrome. Also called: Hereditary neoplastic syndrome; Hereditary Cancer Syndrome; Neoplastic Syndromes, Hereditary; Tumor predisposition. Identifiers: Orphanet 140162, MedGen C0027672, MeSH D009386, MONDO:0015356.

Allele frequency attached by ClinVar (database versions not stated): gnomAD exomes below 0.00001.
gnomAD v4.1: 1 of 1,614,036 alleles (0.000062%); highest among the groups gnomAD compares: South Asian, 0.0011%; no homozygotes.

Submissions (2):

Ambry Genetics
Classification: Uncertain significance for Hereditary cancer-predisposing syndrome. Last evaluated: 2024-01-05. Review status: criteria provided, single submitter. Criteria: Ambry Variant Classification Scheme 2023. Collection method: clinical testing. Allele origin: germline.
Comment: The p.H785Y variant (also known as c.2353C>T), located in coding exon 4 of the MSH6 gene, results from a C to T substitution at nucleotide position 2353. The histidine at codon 785 is replaced by tyrosine, an amino acid with similar properties. This amino acid position is highly conserved in available vertebrate species. In addition, the in silico prediction for this alteration is inconclusive. Since supporting evidence is limited at this time, the clinical significance of this alteration remains unclear.

Color Diagnostics, LLC DBA Color Health
Classification: Uncertain significance for Hereditary cancer-predisposing syndrome. Last evaluated: 2023-10-17. Review status: criteria provided, single submitter. Criteria: ACMG Guidelines, 2015. Collection method: clinical testing. Allele origin: germline.
Comment: This missense variant replaces histidine with tyrosine at codon 785 of the MSH6 protein. Computational prediction suggests that this variant may not impact protein structure and function (internally defined REVEL score threshold <= 0.5, PMID: 27666373). To our knowledge, functional studies have not been reported for this variant. This variant has been reported in a cohort of individual affected with colorectal cancer (PMID: 30267214). This variant has not been identified in the general population by the Genome Aggregation Database (gnomAD). The available evidence is insufficient to determine the role of this variant in disease conclusively. Therefore, this variant is classified as a Variant of Uncertain Significance.

Literature cited by the submitters: PubMed 30267214 (cited by Color Diagnostics, LLC DBA Color Health).

NM_000179.3(MSH6):c.2353C>T (p.His785Tyr)

Gene: MSH6 (mutS homolog 6; plus strand). Cytogenetic location: 2p16.3.
Variant type: single nucleotide variant.
Coding change: c.2353C>T on transcript NM_000179.3 (MANE Select); coding-DNA position 2353, C replaced by T.
Protein change: p.His785Tyr; replaces histidine 785 with tyrosine.
Molecular consequence: missense variant. On other transcripts: non-coding transcript variant (5), intron variant (3).
Genome position (GRCh38, 1-based): chr2:47,800,336, C>T. VCF-style: chr2-47800336-C-T. GRCh37 (hg19) VCF-style: chr2-48027475-C-T.
Other names: c.1963C>T, p.His655Tyr (NM_001281492.2); c.1447C>T, p.His483Tyr (NM_001281493.2, NM_001281494.2, NM_001406811.1 and 6 more transcripts); c.2449C>T, p.His817Tyr (NM_001406795.1, NM_001406802.1); c.2353C>T, p.His785Tyr (NM_001406796.1, NM_001406798.1, NM_001406800.1 and 2 more transcripts); c.2056C>T, p.His686Tyr (NM_001406797.1, NM_001406801.1, NM_001406805.1 and 10 more transcripts); c.1828C>T, p.His610Tyr (NM_001406799.1, NM_001406806.1, NM_001406807.1); c.2275C>T, p.His759Tyr (NM_001406804.1); c.2359C>T, p.His787Tyr (NM_001406813.1); and 4 more; short protein forms H483Y, H759Y, H686Y, H817Y, H655Y, H729Y, H610Y, H785Y.
Identifiers: ClinVar variation 2773647 (VCV002773647.3), dbSNP rs1572726859, ClinGen allele CA346753553.